The following is an entry in ClinVar:

ClinVar aggregate classification (germline): Uncertain significance (1 of 4 stars; one submission).

Conditions:
Cenani-Lenz syndactyly syndrome. Also called: SYNDACTYLY, TYPE VII; CENANI SYNDACTYLISM. Identifiers: Orphanet 3258, MedGen C1859309, MONDO:0008931, OMIM 212780.
Sclerosteosis 2 (SOST2). Identifiers: Orphanet 3152, MedGen C3280402, MONDO:0013679, OMIM 614305.
Congenital myasthenic syndrome 17. Identifiers: Orphanet 590, MedGen C4225377, MONDO:0014578, OMIM 616304.

Allele frequency attached by ClinVar (database versions not stated): TOPMed below 0.00001; ExAC 0.00001.

Submission:

Labcorp Genetics (formerly Invitae), Labcorp
Classification: Uncertain significance for Cenani-Lenz syndactyly syndrome; Sclerosteosis 2; Congenital myasthenic syndrome 17. Last evaluated: 2022-07-14. Review status: criteria provided, single submitter. Criteria: Invitae Variant Classification Sherloc (09022015). Collection method: clinical testing. Allele origin: germline.
Comment: This variant is present in population databases (rs752084061, gnomAD 0.004%). This sequence change replaces arginine, which is basic and polar, with glutamine, which is neutral and polar, at codon 29 of the LRP4 protein (p.Arg29Gln). This variant has not been reported in the literature in individuals affected with LRP4-related conditions. Algorithms developed to predict the effect of missense changes on protein structure and function are either unavailable or do not agree on the potential impact of this missense change (SIFT: "Deleterious"; PolyPhen-2: "Benign"; Align-GVGD: "Class C0"). In summary, the available evidence is currently insufficient to determine the role of this variant in disease. Therefore, it has been classified as a Variant of Uncertain Significance.

NM_002334.4(LRP4):c.86G>A (p.Arg29Gln)

Gene: LRP4 (LDL receptor related protein 4; minus strand). Cytogenetic location: 11p11.2.
Variant type: single nucleotide variant.
Coding change: c.86G>A on transcript NM_002334.4 (MANE Select); coding-DNA position 86, G replaced by A.
Protein change: p.Arg29Gln; replaces arginine 29 with glutamine.
Molecular consequence: missense variant.
Genome position (GRCh38, 1-based): chr11:46,902,896, C>T on the plus strand (G>A on the coding strand, the complement: LRP4 is on the minus strand). VCF-style: chr11-46902896-C-T. GRCh37 (hg19) VCF-style: chr11-46924447-C-T.
Other names: short protein forms R29Q.
Identifiers: ClinVar variation 2166880 (VCV002166880.4), dbSNP rs752084061, ClinGen allele CA5970606.